The following is an entry in ClinVar:

ClinVar aggregate classification (germline): Uncertain significance (1 of 4 stars; one submission).

gnomAD v4.1: 1 of 1,612,490 alleles (0.000062%); highest among the groups gnomAD compares: Non-Finnish European, 0.000085%; no homozygotes.

Submission:

Ambry Genetics
Classification: Uncertain significance. Last evaluated: 2026-08-04. Review status: criteria provided, single submitter. Criteria: Ambry Variant Classification Scheme 2023. Collection method: clinical testing. Allele origin: germline.
Comment: The c.706C>T (p.H236Y) alteration is located in exon 5 (coding exon 5) of the KIAA0368 gene. This alteration results from a C to T substitution at nucleotide position 706, causing the histidine (H) at amino acid position 236 to be replaced by a tyrosine (Y). Based on data from gnomAD, the T allele has an overall frequency of <0.001% (0/248852) total alleles studied. The highest observed frequency was <0.001% (/) of alleles. Based on insufficient or conflicting evidence, the clinical significance of this alteration remains unclear.

NM_001364929.1(ECPAS):c.172C>T (p.His58Tyr)

Gene: ECPAS (Ecm29 proteasome adaptor and scaffold; minus strand). Cytogenetic location: 9q31.3.
Variant type: single nucleotide variant.
Coding change: c.172C>T on transcript NM_001364929.1 (MANE Select); coding-DNA position 172, C replaced by T.
Protein change: p.His58Tyr; replaces histidine 58 with tyrosine.
Molecular consequence: missense variant.
Genome position (GRCh38, 1-based): chr9:111,444,476, G>A on the plus strand (C>T on the coding strand, the complement: ECPAS is on the minus strand). VCF-style: chr9-111444476-G-A. GRCh37 (hg19) VCF-style: chr9-114206756-G-A.
Other names: NM_001080398.1:c.706C>T; c.172C>T, p.His58Tyr (NM_001363756.2, NM_001364930.1); c.190C>T, p.His64Tyr (NM_001364931.1); short protein forms H58Y, H64Y.
Identifiers: ClinVar variation 5035709 (VCV005035709.1).